The following is an entry in ClinVar:

ClinVar aggregate classification (germline): Uncertain significance (1 of 4 stars; one submission).

Conditions:
Alagille syndrome due to a JAG1 point mutation. Also called: HEPATIC DUCTULAR HYPOPLASIA, SYNDROMATIC; Alagille Syndrome 1; JAG1-Related Alagille Syndrome. Identifiers: Orphanet 261619, Orphanet 52, MedGen C1956125, MONDO:0016862, OMIM 118450.

Submission:

Labcorp Genetics (formerly Invitae), Labcorp
Classification: Uncertain significance for Alagille syndrome due to a JAG1 point mutation. Last evaluated: 2022-11-15. Review status: criteria provided, single submitter. Criteria: Invitae Variant Classification Sherloc (09022015). Collection method: clinical testing. Allele origin: germline.
Comment: This variant has not been reported in the literature in individuals affected with JAG1-related conditions. Advanced modeling of protein sequence and biophysical properties (such as structural, functional, and spatial information, amino acid conservation, physicochemical variation, residue mobility, and thermodynamic stability) performed at Invitae indicates that this missense variant is not expected to disrupt JAG1 protein function. In summary, the available evidence is currently insufficient to determine the role of this variant in disease. Therefore, it has been classified as a Variant of Uncertain Significance. This variant is not present in population databases (gnomAD no frequency). This sequence change replaces valine, which is neutral and non-polar, with isoleucine, which is neutral and non-polar, at codon 1179 of the JAG1 protein (p.Val1179Ile).

NM_000214.3(JAG1):c.3535G>A (p.Val1179Ile)

Gene: JAG1 (jagged canonical Notch ligand 1; minus strand). Cytogenetic location: 20p12.2.
Variant type: single nucleotide variant.
Coding change: c.3535G>A on transcript NM_000214.3 (MANE Select); coding-DNA position 3535, G replaced by A.
Protein change: p.Val1179Ile; replaces valine 1179 with isoleucine.
Molecular consequence: missense variant.
Genome position (GRCh38, 1-based): chr20:10,639,620, C>T on the plus strand (G>A on the coding strand, the complement: JAG1 is on the minus strand). VCF-style: chr20-10639620-C-T. GRCh37 (hg19) VCF-style: chr20-10620268-C-T.
Other names: short protein forms V1179I.
Identifiers: ClinVar variation 2130393 (VCV002130393.4), dbSNP rs2514506247, ClinGen allele CA408242604.
Genomic context (GRCh38, chr20:10,639,620, plus strand): 5'-TGTTTGTCCAGTTTGGGTGTTTTGTCGGCGTGCCGTTGGGGGGCTTCTCTTCTCTGTCTA[C>T]CAGCGTGTACGCCGGCTGCTTGGCAAACCGGGCTTTCTGCTGGTGTTTGTCCATGTCGTC-3'
Protein context (NP_000205.1, residues 1169-1189): RFAKQPAYTL[Val1179Ile]DREEKPPNGT